The following is an entry in ClinVar:

ClinVar aggregate classification (germline): Uncertain significance (1 of 4 stars; one submission).

Conditions:
Hypertrophic cardiomyopathy. Also called: HYPERTROPHIC MYOCARDIOPATHY. Identifiers: Orphanet 217569, MedGen C0007194, MeSH D002312, MONDO:0005045, HP:0001639.

Submission:

Labcorp Genetics (formerly Invitae), Labcorp
Classification: Uncertain significance for Hypertrophic cardiomyopathy. Last evaluated: 2025-09-10. Review status: criteria provided, single submitter. Criteria: Invitae Variant Classification Sherloc (09022015). Collection method: clinical testing. Allele origin: germline.
Comment: This sequence change replaces leucine, which is neutral and non-polar, with proline, which is neutral and non-polar, at codon 1920 of the MYH7 protein (p.Leu1920Pro). This variant is not present in population databases (gnomAD no frequency). This variant has not been reported in the literature in individuals affected with MYH7-related conditions. Invitae Evidence Modeling of protein sequence and biophysical properties (such as structural, functional, and spatial information, amino acid conservation, physicochemical variation, residue mobility, and thermodynamic stability) indicates that this missense variant is expected to disrupt MYH7 protein function with a positive predictive value of 95%. In summary, the available evidence is currently insufficient to determine the role of this variant in disease. Therefore, it has been classified as a Variant of Uncertain Significance.

NM_000257.4(MYH7):c.5759T>C (p.Leu1920Pro)

Gene: MYH7 (myosin heavy chain 7; minus strand). Cytogenetic location: 14q11.2.
Variant type: single nucleotide variant.
Coding change: c.5759T>C on transcript NM_000257.4 (MANE Select); coding-DNA position 5759, T replaced by C.
Protein change: p.Leu1920Pro; replaces leucine 1920 with proline.
Molecular consequence: missense variant.
Genome position (GRCh38, 1-based): chr14:23,413,790, A>G on the plus strand (T>C on the coding strand, the complement: MYH7 is on the minus strand). VCF-style: chr14-23413790-A-G. GRCh37 (hg19) VCF-style: chr14-23882999-A-G.
Other names: c.5759T>C, p.Leu1920Pro (NM_001407004.1); short protein forms L1920P.
Identifiers: ClinVar variation 4801905 (VCV004801905.1).